The following is an entry in ClinVar:

ClinVar aggregate classification (germline): Pathogenic (1 of 4 stars; one submission).

Submission:

Labcorp Genetics (formerly Invitae), Labcorp
Classification: Pathogenic. Last evaluated: 2020-07-30. Review status: criteria provided, single submitter. Criteria: Invitae Variant Classification Sherloc (09022015). Collection method: clinical testing. Allele origin: germline.
Comment: This variant results in a copy number gain of the genomic region encompassing exon 14 of the EYS gene. While the exact position of this variant cannot be determined from this data, sub-genic copy number gains are generally in tandem (PMID: 25640679) and may result in an absent or disrupted protein product. This variant has been observed in individual(s) with retinitis pigmentosa (PMID: 30718709, 31074760). This variant is also known as c.(2137+1_2137-1)_(2259+1_2260-1)dup in the literature. Loss-of-function variants in EYS are known to be pathogenic (PMID: 18836446, 20333770). For these reasons, this variant has been classified as Pathogenic.

Literature cited by the submitters: PubMed 25640679; PubMed 30718709; PubMed 31074760; PubMed 18836446; PubMed 20333770.

NC_000006.11:g.(?_65707475)_(65707596_?)dup

Gene: EYS (eyes shut homolog; minus strand). Cytogenetic location: 6q12.
Variant type: Duplication.
Identifiers: ClinVar variation 1068724 (VCV001068724.1).